The following is an entry in ClinVar:

NM_000256.3(MYBPC3):c.2723A>C (p.Tyr908Ser)

Gene: MYBPC3 (myosin binding protein C3; minus strand). Cytogenetic location: 11p11.2.
Variant type: single nucleotide variant.
Coding change: c.2723A>C on transcript NM_000256.3 (MANE Select); coding-DNA position 2723, A replaced by C.
Protein change: p.Tyr908Ser; replaces tyrosine 908 with serine.
Molecular consequence: missense variant.
Genome position (GRCh38, 1-based): chr11:47,335,891, T>G on the plus strand (A>C on the coding strand, the complement: MYBPC3 is on the minus strand). VCF-style: chr11-47335891-T-G. GRCh37 (hg19) VCF-style: chr11-47357442-T-G.
Other names: short protein forms Y908S.
Identifiers: ClinVar variation 4758376 (VCV004758376.1).
Genomic context (GRCh38, chr11:47,335,891, plus strand): 5'-GCATGTTCTTCCTTTGGGGAGGGGGGTTGGGGGCGGGGACACTCACAGCCCTCTGGGCAG[T>G]ACTCCACGCTGTAGCCATCCAGGCCTCCTGCTCCCACGCGCTCTGGGGGCCGCCACTTGA-3'
Protein context (NP_000247.2, residues 898-918): AGGLDGYSVE[Tyr908Ser]CPEGCSEWVA

ClinVar aggregate classification (germline): Uncertain significance (1 of 4 stars; one submission).

Conditions:
Cardiomyopathy (CMYO). Also called: Cardiomyopathies. Identifiers: Orphanet 167848, MedGen C0878544, MONDO:0004994, HP:0001638. Inheritance: Various modes of inheritance.

gnomAD v4.1: 1 of 1,530,188 alleles (0.000065%); highest among the groups gnomAD compares: Admixed American, 0.002%; no homozygotes.

Submission:

Color Diagnostics, LLC DBA Color Health
Classification: Uncertain significance for Cardiomyopathy. Last evaluated: 2025-07-22. Review status: criteria provided, single submitter. Criteria: ACMG Guidelines, 2015. Collection method: clinical testing. Allele origin: germline.
Comment: This missense variant replaces tyrosine with serine at codon 908 of the MYBPC3 protein. Computational prediction suggests that this variant may have a deleterious impact on protein structure and function. To our knowledge, functional studies have not been reported for this variant. This variant has been reported in an individual affected with dilated cardiomyopathy (PMID: 37904629). This variant has not been identified in the general population by the Genome Aggregation Database (gnomAD). The available evidence is insufficient to determine the role of this variant in disease conclusively. Therefore, this variant is classified as a Variant of Uncertain Significance.

Literature cited by the submitters: PubMed 37904629.